The following is an entry in ClinVar:

ClinVar aggregate classification (germline): Uncertain significance. Review status: criteria provided, multiple submitters, no conflicts (2 of 4 stars). 2 submissions from 2 submitters: Uncertain significance (2). Last evaluated 2025-01-09.

Conditions:
Inborn genetic diseases. Identifiers: MedGen C0950123, MeSH D030342.

Allele frequency attached by ClinVar (database versions not stated): gnomAD exomes 0.00001 and 0.00005; ExAC 0.00003; gnomAD 0.00003 and 0.00004; TOPMed 0.00004.
gnomAD v4.1: 29 of 1,610,988 alleles (0.0018%); highest among the groups gnomAD compares: Admixed American, 0.022%; no homozygotes.

Submissions (2):

Ambry Genetics
Classification: Uncertain significance for Inborn genetic diseases. Last evaluated: 2025-01-09. Review status: criteria provided, single submitter. Criteria: Ambry Variant Classification Scheme 2023. Collection method: clinical testing. Allele origin: germline.

GeneDx
Classification: Uncertain significance. Last evaluated: 2022-02-03. Review status: criteria provided, single submitter. Criteria: GeneDx Variant Classification Process June 2021. Collection method: clinical testing. Allele origin: germline. Affected: yes.
Comment: In silico analysis supports that this missense variant does not alter protein structure/function; Has not been previously published as pathogenic or benign to our knowledge

NM_000666.3(ACY1):c.353G>C (p.Ser118Thr)

Genes: ABHD14A-ACY1 (ABHD14A-ACY1 readthrough; plus strand), ACY1 (aminoacylase 1; plus strand). Cytogenetic location: 3p21.2.
Variant type: single nucleotide variant.
Coding change: c.353G>C on transcript NM_000666.3 (MANE Select); coding-DNA position 353, G replaced by C.
Protein change: p.Ser118Thr; replaces serine 118 with threonine.
Molecular consequence: missense variant. On other transcripts: intron variant (1).
Genome position (GRCh38, 1-based): chr3:51,985,940, G>C. VCF-style: chr3-51985940-G-C. GRCh37 (hg19) VCF-style: chr3-52019956-G-C.
Other names: c.623G>C, p.Ser208Thr (NM_001316331.2); c.353G>C, p.Ser118Thr (NM_001198895.2, NM_001198897.2); c.248G>C, p.Ser83Thr (NM_001198898.2); c.310+43G>C (NM_001198896.2); c.353G>C (NM_000666.2); short protein forms S118T, S208T, S83T.
Identifiers: ClinVar variation 1700277 (VCV001700277.3), dbSNP rs763793253, ClinGen allele CA2428432.
Genomic context (GRCh38, chr3:51,985,940, plus strand): 5'-CCTTCAAGGATTCTGAGGGCTACATCTATGCCAGGGGTGCCCAGGACATGAAGTGCGTCA[G>C]CATCCAGTGAGTGTCCTCCATTCCTACTCCTCCACAATGTCCCCACTGGTCCAGTGGATT-3'
Protein context (NP_000657.1, residues 108-128): ARGAQDMKCV[Ser118Thr]IQYLEAVRRL